The following is an entry in ClinVar:

NM_015087.5(SPART):c.1944_1945del (p.Lys651fs)

Gene: SPART (spartin; minus strand). Cytogenetic location: 13q13.3.
Variant type: Microsatellite.
Coding change: c.1944_1945del on transcript NM_015087.5 (MANE Select); coding-DNA positions 1944 to 1945, 2 bases deleted (AG; older notation c.1944_1945delAG).
Protein change: p.Lys651fs; shifts the reading frame from lysine 651.
Molecular consequence: frameshift variant.
Genome position (GRCh38, 1-based): chr13:36,304,421-36,304,422, CT deleted on the plus strand (AG on the coding strand, the reverse complement: SPART is on the minus strand); deleting any 2 consecutive bases within chr13:36,304,421-36,304,425 gives the same sequence; the c. name uses the placement nearest the transcript's 3' end. VCF-style (leftmost placement, unchanged base first): chr13-36304420-CCT-C. GRCh37 (hg19) VCF-style: chr13-36878557-CCT-C.
Other names: c.1944_1945del, p.Lys651fs (NM_001142294.2, NM_001142295.2, NM_001142296.2); short protein forms K651fs.
Identifiers: ClinVar variation 2038576 (VCV002038576.4), dbSNP rs1482778290, ClinGen allele CA697702861.

ClinVar aggregate classification (germline): Uncertain significance (1 of 4 stars; one submission).

Submission:

Labcorp Genetics (formerly Invitae), Labcorp
Classification: Uncertain significance. Last evaluated: 2023-10-03. Review status: criteria provided, single submitter. Criteria: Invitae Variant Classification Sherloc (09022015). Collection method: clinical testing. Allele origin: germline.
Comment: This sequence change creates a premature translational stop signal (p.Lys651Glyfs*2) in the SPART gene. While this is not anticipated to result in nonsense mediated decay, it is expected to disrupt the last 16 amino acid(s) of the SPART protein. This variant is not present in population databases (gnomAD no frequency). This variant has not been reported in the literature in individuals affected with SPART-related conditions. Experimental studies and prediction algorithms are not available or were not evaluated, and the functional significance of this variant is currently unknown. In summary, the available evidence is currently insufficient to determine the role of this variant in disease. Therefore, it has been classified as a Variant of Uncertain Significance.